The following is an entry in ClinVar:

ClinVar aggregate classification (germline): Conflicting classifications of pathogenicity. Review status: criteria provided, conflicting classifications (1 of 4 stars). 12 submissions from 12 submitters: Uncertain significance (4); Benign (1); Likely benign (5). 2 of the submissions do not count toward it. Last evaluated 2026-01-21.

Conditions:
Hereditary cancer-predisposing syndrome. Also called: Neoplastic Syndromes, Hereditary; Hereditary Cancer Syndrome; Hereditary neoplastic syndrome; Tumor predisposition. Identifiers: Orphanet 140162, MedGen C0027672, MeSH D009386, MONDO:0015356.
Microcephaly, normal intelligence and immunodeficiency (NBS). Also called: Immunodeficiency, microcephaly with normal intelligence; SEEMANOVA SYNDROME II; Nijmegen breakage syndrome; Microcephaly with normal intelligence immunodeficiency and lymphoreticular malignancies; Nonsyndromal microcephaly autosomal recessive with normal intelligence; Seemanova syndrome 2. Identifiers: Orphanet 647, MedGen C0398791, MONDO:0009623, OMIM 251260.
Malignant tumor of breast. Also called: Malignant breast neoplasm; Cancer breast. Identifiers: MedGen C0006142, MONDO:0007254. Disease mechanism: loss of function.

Allele frequency attached by ClinVar (database versions not stated): gnomAD exomes 0.00058 and 0.00040; ExAC 0.00073; 1000 Genomes Project 0.00080; 1000 Genomes Project 30x 0.00094; gnomAD 0.00004 and 0.00016; TOPMed 0.00005; ESP Exome Variant Server 0.00031.
gnomAD v4.1: 591 of 1,613,852 alleles (0.037%); highest among the groups gnomAD compares: South Asian, 0.45%; 5 homozygotes.

Submissions (12):

Labcorp Genetics (formerly Invitae), Labcorp
Classification: Benign for Microcephaly, normal intelligence and immunodeficiency. Last evaluated: 2026-01-21. Review status: criteria provided, single submitter. Criteria: Invitae Variant Classification Sherloc (09022015). Collection method: clinical testing. Allele origin: germline.

Women's Health and Genetics/Laboratory Corporation of America, LabCorp
Classification: Likely benign. Last evaluated: 2024-05-20. Review status: criteria provided, single submitter. Criteria: LabCorp Variant Classification Summary - May 2015. Collection method: clinical testing. Allele origin: germline.
Comment: Variant summary: NBN c.278C>T (p.Ser93Leu) results in a non-conservative amino acid change located in the Forkhead-associated (FHA) domain (IPR000253) of the encoded protein sequence. Five of five in-silico tools predict a damaging effect of the variant on protein function. The variant allele was found at a frequency of 0.00058 in 251486 control chromosomes, predominantly at a frequency of 0.0043 within the South Asian subpopulation in the gnomAD database, including 2 homozygotes. The observed variant frequency within South Asian control individuals in the gnomAD database is approximately 1.7 fold of the estimated maximal expected allele frequency for a pathogenic variant in NBN causing Nijmegen Breakage Syndrome phenotype (0.0025), strongly suggesting that the variant is a benign polymorphism found primarily in populations of South Asian origin. c.278C>T has been reported in the literature in individuals affected with cancer (e.g. Varon_2001, Taylor_2003, Ramus_2015, Yurgelun_2017, Tsaousis_2019, Dorling_2021, AlHarbi_2023). These data do not allow any conclusion about variant significance. Co-occurrence with another pathogenic variant has been reported internally (BRCA2 c.7251_7252delCA, p.H2417fs*3), providing supporting evidence for a benign role. To our knowledge, no experimental evidence demonstrating an impact on protein function has been reported. ClinVar contains an entry for this variant (Variation ID: 142227). Based on the evidence outlined above, the variant was classified as likely benign.

ARUP Laboratories, Molecular Genetics and Genomics, ARUP Laboratories
Classification: Likely benign. Last evaluated: 2022-09-12. Review status: criteria provided, single submitter. Criteria: ARUP Molecular Germline Variant Investigation Process 2021. Collection method: clinical testing. Allele origin: germline.

Genome-Nilou Lab
Classification: Uncertain significance for Microcephaly, normal intelligence and immunodeficiency. Last evaluated: 2021-05-18. Review status: criteria provided, single submitter. Criteria: ACMG Guidelines, 2015. Collection method: clinical testing. Allele origin: germline. Affected: no.

Sema4
Classification: Likely benign for Hereditary cancer-predisposing syndrome. Last evaluated: 2021-02-01. Review status: criteria provided, single submitter. Criteria: Sema4 Curation Guidelines. Collection method: curation. Allele origin: germline.

GeneDx
Classification: Likely benign. Last evaluated: 2020-12-23. Review status: criteria provided, single submitter. Criteria: GeneDx Variant Classification Process June 2021. Collection method: clinical testing. Allele origin: germline. Affected: yes.
Comment: This variant is associated with the following publications: (PMID: 25980754, 11325820, 14559852, 28135145, 25176580, 19452044, 15279809, 26315354, 31278556, 31159747)

Ambry Genetics
Classification: Likely benign for Hereditary cancer-predisposing syndrome. Last evaluated: 2019-07-01. Review status: criteria provided, single submitter. Criteria: Ambry Variant Classification Scheme 2023. Collection method: clinical testing. Allele origin: germline.

GeneKor MSA
Classification: Uncertain significance for Hereditary cancer-predisposing syndrome. Last evaluated: 2018-08-01. Review status: criteria provided, single submitter. Criteria: ACMG Guidelines, 2015. Collection method: clinical testing. Allele origin: germline. Affected: yes.

Illumina Laboratory Services, Illumina
Classification: Uncertain significance for Microcephaly, normal intelligence and immunodeficiency. Last evaluated: 2018-01-12. Review status: criteria provided, single submitter. Criteria: ICSL Variant Classification Criteria 13 December 2019. Collection method: clinical testing. Allele origin: germline.

Genetic Services Laboratory, University of Chicago
Classification: Uncertain significance. Last evaluated: 2015-01-13. Review status: criteria provided, single submitter. Criteria: ACMG Guidelines, 2015. Collection method: clinical testing. Allele origin: germline.

Counsyl
Classification: Uncertain significance for Microcephaly, normal intelligence and immunodeficiency. Last evaluated: 2018-04-29. Review status: no assertion criteria provided. Collection method: clinical testing. Allele origin: unknown. Not counted in ClinVar's aggregate classification.

Department of Pathology and Laboratory Medicine, Sinai Health System
Classification: Uncertain significance for Malignant tumor of breast. Review status: no assertion criteria provided. Collection method: clinical testing. Allele origin: unknown. Affected: yes. Study: The Canadian Open Genetics Repository (COGR). Not counted in ClinVar's aggregate classification.
Comment: The NBN p.Ser93Leu variant was identified in 1 of 94 proband chromosomes (frequency: 0.01) from German individuals or families with acute lymphocytic leukemia (ALL) and was not identified in 110 control chromosomes from healthy individuals (Varon 2001). The variant was also identified in dbSNP (ID: rs12721593 â€šÃ„ÃºWith Uncertain significance alleleâ€šÃ„Ã¹), ClinVar (1x as likely benign by Invitae and 3x as uncertain significance by Ambry Genetics, GeneDx, and Genetic Services Laboratory at University of Chicago), LOVD 3.0 (1x), and the Zhejiang University Database (3x). The variant was also identified in control databases in 148 of 246182 chromosomes (2 homozygous) at a frequency of 0.0006 (Genome Aggregation Consortium Feb 27, 2017), being identified in the following populations: African in 1 of 15292 chromosomes (frequency: 0.00007), Latino in 3 of 33576 chromosomes (frequency 0.00009), European Non-Finnish in 11 of 111668 chromosomes (frequency: 0.0001) and South Asian in 133 of 30778 chromosomes (2 homozygous, frequency: 0.004). The variant was not identified in Cosmic. The p.Ser93Leu variant occurs in the known FHA (forkhead associated) domain of nibrin that is probably involved in protein-protein interactions (Di Masi 2008, Digweed 2004). The p.Ser93 residue is not conserved in mammals and computational analyses (PolyPhen-2, SIFT, AlignGVGD, BLOSUM, MutationTaster) provide inconsistent predictions regarding the impact of the Leu variant to the protein; this information is not very predictive of pathogenicity. The variant occurs outside of the splicing consensus sequence and in silico or computational prediction software programs (SpliceSiteFinder, MaxEntScan, NNSPLICE, GeneSplicer, HumanSpliceFinder) do not predict a difference in splicing. In summary, based on the above information the clinical significance of this variant cannot be determined with certainty at this time. This variant is classified as a variant of uncertain significance.

Literature cited by the submitters: PubMed 26315354 (cited by Women's Health and Genetics/Laboratory Corporation of America, LabCorp and Ambry Genetics); PubMed 11325820 (cited by Women's Health and Genetics/Laboratory Corporation of America, LabCorp); PubMed 14559852 (cited by Women's Health and Genetics/Laboratory Corporation of America, LabCorp); PubMed 28135145 (cited by Women's Health and Genetics/Laboratory Corporation of America, LabCorp); PubMed 31159747 (cited by Women's Health and Genetics/Laboratory Corporation of America, LabCorp); PubMed 33471991 (cited by Women's Health and Genetics/Laboratory Corporation of America, LabCorp); PubMed 37306523 (cited by Women's Health and Genetics/Laboratory Corporation of America, LabCorp).

NM_002485.5(NBN):c.278C>T (p.Ser93Leu)

Gene: NBN (nibrin; minus strand). Cytogenetic location: 8q21.3.
Variant type: single nucleotide variant.
Coding change: c.278C>T on transcript NM_002485.5 (MANE Select); coding-DNA position 278, C replaced by T.
Protein change: p.Ser93Leu; replaces serine 93 with leucine.
Molecular consequence: missense variant.
Genome position (GRCh38, 1-based): chr8:89,981,417, G>A on the plus strand (C>T on the coding strand, the complement: NBN is on the minus strand). VCF-style: chr8-89981417-G-A. GRCh37 (hg19) VCF-style: chr8-90993645-G-A.
Other names: p.S93L:TCG>TTG; c.32C>T, p.Ser11Leu (NM_001024688.3); short protein forms S93L, S11L.
Identifiers: ClinVar variation 142227 (VCV000142227.37), dbSNP rs12721593, ClinGen allele CA206703.
Genomic context (GRCh38, chr8:89,981,417, plus strand): 5'-AATTTTAAAATGTCTTACCTGAATTTACTTCCAAACACTCCAAAAGTAATACCATCCCCC[G>A]ACTTCAAAGTTCGGGAAAAGCCATTCTGCATTTTTTCCTCATTAACAAAGGTACCATACT-3'
Protein context (NP_002476.2, residues 83-103): MQNGFSRTLK[Ser93Leu]GDGITFGVFG